The following is an entry in ClinVar:

NM_012193.4(FZD4):c.1261_1262delinsGAC (p.Gln421fs)

Genes: FZD4 (frizzled class receptor 4; minus strand), PRSS23 (serine protease 23; plus strand). Cytogenetic location: 11q14.2.
Variant type: Indel.
Coding change: c.1261_1262delinsGAC on transcript NM_012193.4 (MANE Select); coding-DNA positions 1261 to 1262, CA replaced by GAC.
Protein change: p.Gln421fs; shifts the reading frame from glutamine 421.
Molecular consequence: frameshift variant. On other transcripts: non-coding transcript variant (2).
Genome position (GRCh38, 1-based): chr11:86,951,494-86,951,495, TG replaced by GTC on the plus strand (CA replaced by GAC on the coding strand, the reverse complement: FZD4 is on the minus strand). VCF-style: chr11-86951494-TG-GTC. GRCh37 (hg19) VCF-style: chr11-86662536-TG-GTC.
Other names: short protein forms Q421fs.
Identifiers: ClinVar variation 4838601 (VCV004838601.1).

ClinVar aggregate classification (germline): Pathogenic (1 of 4 stars; one submission).

Conditions:
Inborn genetic diseases. Identifiers: MedGen C0950123, MeSH D030342.

Submission:

Ambry Genetics
Classification: Pathogenic for Inborn genetic diseases. Last evaluated: 2026-01-08. Review status: criteria provided, single submitter. Criteria: Ambry Variant Classification Scheme 2023. Collection method: clinical testing. Allele origin: germline.
Comment: The c.1261_1262delCAinsGAC (p.Q421Dfs*38) alteration, located in exon 2 (coding exon 2) of the FZD4 gene, consists of an deletion of 2 and insertion of 3 nucleotides causing a translational frameshift at position 1261 with a predicted alternate stop codon after 38 amino acids. This variant is not expected to trigger nonsense-mediated mRNA decay and impacts the last 22% of the protein. Premature stop codons are typically deleterious in nature, the impacted region is critical for protein function, and a significant portion of the protein is affected (Ambry internal data). This variant was not reported in population-based cohorts in the Genome Aggregation Database (gnomAD). Based on the available evidence, this alteration is classified as pathogenic.